The following is an entry in ClinVar:

NC_000021.9:g.(?_44285987)_(44297747_?)del

Genes: AIRE (autoimmune regulator; plus strand), LOC130066814 (ATAC-STARR-seq lymphoblastoid active region 18565; plus strand), LOC130066813 (ATAC-STARR-seq lymphoblastoid silent region 13378; plus strand). Cytogenetic location: 21q22.3.
Variant type: Deletion.
Identifiers: ClinVar variation 458611 (VCV000458611.1).

ClinVar aggregate classification (germline): Pathogenic (1 of 4 stars; one submission).

Conditions:
Polyglandular autoimmune syndrome, type 1 (APS1). Also called: PGA I; Autoimmune polyendocrine syndrome type 1; AUTOIMMUNE POLYENDOCRINE SYNDROME, TYPE I, WITH OR WITHOUT REVERSIBLE METAPHYSEAL DYSPLASIA; APS I; HYPOADRENOCORTICISM WITH HYPOPARATHYROIDISM AND SUPERFICIAL MONILIASIS; Autoimmune polyendocrinopathy syndrome , type I, with or without reversible metaphyseal dysplasia. Identifiers: Orphanet 3453, MedGen C0085859, MONDO:0009411, OMIM 240300.

Submission:

Labcorp Genetics (formerly Invitae), Labcorp
Classification: Pathogenic for Polyglandular autoimmune syndrome, type 1. Last evaluated: 2017-09-28. Review status: criteria provided, single submitter. Criteria: Invitae Variant Classification Sherloc (09022015). Collection method: clinical testing. Allele origin: germline.
Comment: A gross deletion of the genomic region encompassing the full coding sequence of the AIRE gene has been identified. The boundaries of this event are unknown as the deletion extends beyond the assayed region for this gene and therefore may encompass additional genes. A whole gene deletion of AIRE has been observed on the opposite chromosome (in trans) from a pathogenic variant in two siblings affected with autoimmune polyendocrinopathy candidiasis ectodermal dystrophy (APECED) (PMID: 18682433). This finding is consistent with autosomal recessive inheritance, and suggests that this deletion contributes to disease. Loss-of-function variants in AIRE are known to be pathogenic (PMID: 11524731, 26141571). For these reasons, this variant has been classified as Pathogenic.

Literature cited by the submitters: PubMed 18682433.